The following is an entry in ClinVar:

NM_004006.3(DMD):c.4639G>T (p.Ala1547Ser)

Gene: DMD (dystrophin; minus strand). Cytogenetic location: Xp21.1.
Variant type: single nucleotide variant.
Coding change: c.4639G>T on transcript NM_004006.3 (MANE Select); coding-DNA position 4639, G replaced by T.
Protein change: p.Ala1547Ser; replaces alanine 1547 with serine.
Molecular consequence: missense variant.
Genome position (GRCh38, 1-based): chrX:32,386,345, C>A on the plus strand (G>T on the coding strand, the complement: DMD is on the minus strand). VCF-style: chrX-32386345-C-A. GRCh37 (hg19) VCF-style: chrX-32404462-C-A.
Other names: c.4615G>T, p.Ala1539Ser (NM_000109.4); c.4627G>T, p.Ala1543Ser (NM_004009.3); c.4270G>T, p.Ala1424Ser (NM_004010.3); c.616G>T, p.Ala206Ser (NM_004011.4); c.607G>T, p.Ala203Ser (NM_004012.4); short protein forms A1539S, A1543S, A1424S, A1547S, A203S, A206S.
Identifiers: ClinVar variation 2565096 (VCV002565096.2), dbSNP rs1191676213, ClinGen allele CA412662543.

ClinVar aggregate classification (germline): Uncertain significance (1 of 4 stars; one submission).

Conditions:
Cardiovascular phenotype. Identifiers: MedGen CN230736.

Submission:

Ambry Genetics
Classification: Uncertain significance for Cardiovascular phenotype. Last evaluated: 2023-04-27. Review status: criteria provided, single submitter. Criteria: Ambry Variant Classification Scheme 2023. Collection method: clinical testing. Allele origin: germline.
Comment: The p.A1547S variant (also known as c.4639G>T), located in coding exon 33 of the DMD gene, results from a G to T substitution at nucleotide position 4639. The alanine at codon 1547 is replaced by serine, an amino acid with similar properties. Based on data from gnomAD, the G allele has an overall frequency of <0.01% (1/183009) total alleles studied, with 1 hemizygote(s) observed. The highest observed frequency was <0.01% (1/81588) of European (non-Finnish) alleles. This amino acid position is highly conserved in available vertebrate species. In addition, this alteration is predicted to be tolerated by in silico analysis. Since supporting evidence is limited at this time, the clinical significance of this alteration remains unclear.